The following is an entry in ClinVar:

ClinVar aggregate classification (germline): Uncertain significance. Review status: criteria provided, multiple submitters, no conflicts (2 of 4 stars). 2 submissions from 2 submitters: Uncertain significance (2). Last evaluated 2025-10-03.

Conditions:
Hypophosphatemic nephrolithiasis/osteoporosis 1. Identifiers: Orphanet 244305, MedGen C2676786, MONDO:0012850, OMIM 612286.
Hypercalcemia, infantile, 2 (HCINF2). Identifiers: Orphanet 300547, MedGen C4310473, MONDO:0014851, OMIM 616963.
Fanconi renotubular syndrome 2 (FRTS2). Identifiers: MedGen C3150652, MONDO:0013247, OMIM 613388.

Allele frequency attached by ClinVar (database versions not stated): ESP Exome Variant Server 0.00015.
gnomAD v4.1: 6 of 1,613,572 alleles (0.00037%); highest among the groups gnomAD compares: Non-Finnish European, 0.00051%; no homozygotes.

Submissions (2):

Rare Kidney Stone Consortium and the Mayo Clinic Hyperoxaluria Center, Mayo Clinic
Classification: Uncertain significance for Fanconi renotubular syndrome 2; Hypercalcemia, infantile, 2; Hypophosphatemic nephrolithiasis/osteoporosis 1. Last evaluated: 2025-10-03. Review status: criteria provided, single submitter. Criteria: ACMG Guidelines, 2015. Collection method: research. Allele origin: germline. Observed: 1 variant allele.
Comment: ACMG:PM2, PP3

Labcorp Genetics (formerly Invitae), Labcorp
Classification: Uncertain significance. Last evaluated: 2022-02-20. Review status: criteria provided, single submitter. Criteria: Invitae Variant Classification Sherloc (09022015). Collection method: clinical testing. Allele origin: germline.
Comment: In summary, the available evidence is currently insufficient to determine the role of this variant in disease. Therefore, it has been classified as a Variant of Uncertain Significance. Algorithms developed to predict the effect of missense changes on protein structure and function (SIFT, PolyPhen-2, Align-GVGD) all suggest that this variant is likely to be disruptive. This variant has not been reported in the literature in individuals affected with SLC34A1-related conditions. This variant is present in population databases (rs144700897, gnomAD 0.002%). This sequence change replaces proline, which is neutral and non-polar, with alanine, which is neutral and non-polar, at codon 570 of the SLC34A1 protein (p.Pro570Ala).

Literature cited by the submitters: PubMed 40794449 (cited by Rare Kidney Stone Consortium and the Mayo Clinic Hyperoxaluria Center, Mayo Clinic).

NM_003052.5(SLC34A1):c.1708C>G (p.Pro570Ala)

Gene: SLC34A1 (solute carrier family 34 member 1; plus strand). Cytogenetic location: 5q35.3.
Variant type: single nucleotide variant.
Coding change: c.1708C>G on transcript NM_003052.5 (MANE Select); coding-DNA position 1708, C replaced by G.
Protein change: p.Pro570Ala; replaces proline 570 with alanine.
Molecular consequence: missense variant.
Genome position (GRCh38, 1-based): chr5:177,398,074, C>G. VCF-style: chr5-177398074-C-G. GRCh37 (hg19) VCF-style: chr5-176825075-C-G.
Other names: short protein forms P570A.
Identifiers: ClinVar variation 2182268 (VCV002182268.3), dbSNP rs144700897, ClinGen allele CA3580868.